The following is an entry in ClinVar:

NM_001165963.4(SCN1A):c.1049T>A (p.Met350Lys)

Gene: SCN1A (sodium voltage-gated channel alpha subunit 1; minus strand). Cytogenetic location: 2q24.3.
Variant type: single nucleotide variant.
Coding change: c.1049T>A on transcript NM_001165963.4 (MANE Select); coding-DNA position 1049, T replaced by A.
Protein change: p.Met350Lys; replaces methionine 350 with lysine.
Molecular consequence: missense variant. On other transcripts: 5 prime UTR variant (1), non-coding transcript variant (1).
Genome position (GRCh38, 1-based): chr2:166,047,748, A>T on the plus strand (T>A on the coding strand, the complement: SCN1A is on the minus strand). VCF-style: chr2-166047748-A-T. GRCh37 (hg19) VCF-style: chr2-166904258-A-T.
Other names: c.1049T>A, p.Met350Lys (NM_001165964.3, NM_001202435.3, NM_001353948.2 and 10 more transcripts); c.-1377T>A (NM_001353961.2); short protein forms M350K.
Identifiers: ClinVar variation 642450 (VCV000642450.13), dbSNP rs1283627130, ClinGen allele CA349071413.

ClinVar aggregate classification (germline): Uncertain significance. Review status: criteria provided, multiple submitters, no conflicts (2 of 4 stars). 3 submissions from 3 submitters: Uncertain significance (3). Last evaluated 2025-12-30.

Conditions:
Inborn genetic diseases. Identifiers: MedGen C0950123, MeSH D030342.
Early-infantile DEE. Also called: Early infantile epileptic encephalopathy with suppression bursts; Ohtahara syndrome; Early infantile epileptic encephalopathy. Identifiers: Orphanet 1934, MedGen C0393706, MONDO:0800491.

Allele frequency attached by ClinVar (database versions not stated): gnomAD 0.00001; TOPMed 0.00001.
gnomAD v4.1: 8 of 1,613,474 alleles (0.0005%); highest among the groups gnomAD compares: Non-Finnish European, 0.00068%; no homozygotes.

Submissions (3):

Ambry Genetics
Classification: Uncertain significance for Inborn genetic diseases. Last evaluated: 2025-12-30. Review status: criteria provided, single submitter. Criteria: Ambry Variant Classification Scheme 2023. Collection method: clinical testing. Allele origin: germline.

Labcorp Genetics (formerly Invitae), Labcorp
Classification: Uncertain significance for Early-infantile DEE. Last evaluated: 2025-01-15. Review status: criteria provided, single submitter. Criteria: Invitae Variant Classification Sherloc (09022015). Collection method: clinical testing. Allele origin: germline.
Comment: This sequence change replaces methionine, which is neutral and non-polar, with lysine, which is basic and polar, at codon 350 of the SCN1A protein (p.Met350Lys). This variant is not present in population databases (gnomAD no frequency). This variant has not been reported in the literature in individuals affected with SCN1A-related conditions. ClinVar contains an entry for this variant (Variation ID: 642450). Invitae Evidence Modeling of protein sequence and biophysical properties (such as structural, functional, and spatial information, amino acid conservation, physicochemical variation, residue mobility, and thermodynamic stability) indicates that this missense variant is not expected to disrupt SCN1A protein function with a negative predictive value of 95%. In summary, the available evidence is currently insufficient to determine the role of this variant in disease. Therefore, it has been classified as a Variant of Uncertain Significance.

GeneDx
Classification: Uncertain significance. Last evaluated: 2023-06-08. Review status: criteria provided, single submitter. Criteria: GeneDx Variant Classification Process June 2021. Collection method: clinical testing. Allele origin: germline. Affected: yes.
Comment: Not observed at significant frequency in large population cohorts (gnomAD); Missense variants in this gene are often considered pathogenic (HGMD); In silico analysis supports that this missense variant does not alter protein structure/function; This substitution is predicted to be within the extracellular loop between the S5 and S6 transmembrane segments of the first homologous domain; Has not been previously published as pathogenic or benign to our knowledge; This variant is associated with the following publications: (PMID: 31257224, 29127303)